The following is an entry in ClinVar:

NM_001040108.2(MLH3):c.2587C>T (p.Pro863Ser)

Gene: MLH3 (mutL homolog 3; minus strand). Cytogenetic location: 14q24.3.
Variant type: single nucleotide variant.
Coding change: c.2587C>T on transcript NM_001040108.2 (MANE Select); coding-DNA position 2587, C replaced by T.
Protein change: p.Pro863Ser; replaces proline 863 with serine.
Molecular consequence: missense variant.
Genome position (GRCh38, 1-based): chr14:75,047,069, G>A on the plus strand (C>T on the coding strand, the complement: MLH3 is on the minus strand). VCF-style: chr14-75047069-G-A. GRCh37 (hg19) VCF-style: chr14-75513772-G-A.
Other names: c.2587C>T, p.Pro863Ser (NM_014381.3); short protein forms P863S.
Identifiers: ClinVar variation 3396744 (VCV003396744.1).
Genomic context (GRCh38, chr14:75,047,069, plus strand): 5'-AACCCTTCAGTCTGGATAATTTAGAGGCTAGTGATTCAGATGACTTCTCAAGGTCCAAAG[G>A]TTTTCTATTAAAGAGAGATAACTCCTTCAGGGTCATAGGACTTTCTCTCAAACTAGGCAT-3'
Protein context (NP_001035197.1, residues 853-873): LKELSLFNRK[Pro863Ser]LDLEKSSESL

ClinVar aggregate classification (germline): Uncertain significance (1 of 4 stars; one submission).

Submission:

Ambry Genetics
Classification: Uncertain significance. Last evaluated: 2024-10-13. Review status: criteria provided, single submitter. Criteria: Ambry Variant Classification Scheme 2023. Collection method: clinical testing. Allele origin: germline.
Comment: The p.P863S variant (also known as c.2587C>T), located in coding exon 1 of the MLH3 gene, results from a C to T substitution at nucleotide position 2587. The proline at codon 863 is replaced by serine, an amino acid with similar properties. This amino acid position is conserved. In addition, this alteration is predicted to be tolerated by in silico analysis. Based on the available evidence, the clinical significance of this variant remains unclear.